The following is an entry in ClinVar:

ClinVar aggregate classification (germline): Benign/Likely benign. Review status: criteria provided, multiple submitters, no conflicts (2 of 4 stars). 14 submissions from 14 submitters: Benign (10); Likely benign (2). 2 of the submissions do not count toward it. Last evaluated 2026-06-01.

Conditions:
Norman-Roberts syndrome (LIS2). Also called: Lissencephaly 2 (Norman-Roberts type). Identifiers: Orphanet 89844, MedGen C0796089, MONDO:0009760, OMIM 257320.
Familial temporal lobe epilepsy 7. Identifiers: Orphanet 101046, MedGen C4225327, MONDO:0014639, OMIM 616436.
Epilepsy, familial temporal lobe, 1. Identifiers: Orphanet 101046, MedGen CN030884, MONDO:0700090, OMIM 600512.
Self-limited epilepsy with centrotemporal spikes. Also called: Rolandic epilepsy; Childhood epilepsy with centrotemporal spikes. Identifiers: Orphanet 1945, MedGen C0376532, MONDO:0007295.

Allele frequency attached by ClinVar (database versions not stated): gnomAD exomes 0.00341 and 0.00475; ExAC 0.00518; gnomAD 0.01015 and 0.01040; ESP Exome Variant Server 0.01099; 1000 Genomes Project 30x 0.01124; TOPMed 0.01148; 1000 Genomes Project 0.01158.
gnomAD v4.1: 6,469 of 1,565,482 alleles (0.41%); highest among the groups gnomAD compares: African/African-American, 2.9%; 48 homozygotes.

Submissions (14):

CeGaT Center for Human Genetics Tuebingen
Classification: Benign. Last evaluated: 2026-06-01. Review status: criteria provided, single submitter. Criteria: CeGaT Center For Human Genetics Tuebingen Variant Classification Criteria Version 2. Collection method: clinical testing. Allele origin: germline. Affected: yes. Observed: 41 variant alleles.
Comment: RELN: BS1, BS2

Labcorp Genetics (formerly Invitae), Labcorp
Classification: Benign for Familial temporal lobe epilepsy 7; Norman-Roberts syndrome. Last evaluated: 2026-02-02. Review status: criteria provided, single submitter. Criteria: Invitae Variant Classification Sherloc (09022015). Collection method: clinical testing. Allele origin: germline.

Blueprint Genetics
Classification: Likely benign. Last evaluated: 2024-11-17. Review status: criteria provided, single submitter. Criteria: ACMG Guidelines, 2015. Collection method: clinical testing. Allele origin: germline.

Fulgent Genetics
Classification: Likely benign for Norman-Roberts syndrome; Epilepsy, familial temporal lobe, 1; Familial temporal lobe epilepsy 7. Last evaluated: 2021-11-08. Review status: criteria provided, single submitter. Criteria: ACMG Guidelines, 2015. Collection method: clinical testing. Allele origin: unknown.

Athena Diagnostics
Classification: Benign. Last evaluated: 2019-11-01. Review status: criteria provided, single submitter. Criteria: Athena Diagnostics Criteria. Collection method: clinical testing. Allele origin: unknown.

Mayo Clinic Laboratories, Mayo Clinic
Classification: Benign. Last evaluated: 2018-12-06. Review status: criteria provided, single submitter. Criteria: ACMG Guidelines, 2015. Collection method: clinical testing. Allele origin: germline. Observed: 11 variant alleles.

Illumina Laboratory Services, Illumina
Classification: Benign for Norman-Roberts syndrome. Last evaluated: 2018-01-12. Review status: criteria provided, single submitter. Criteria: ICSL Variant Classification Criteria 13 December 2019. Collection method: clinical testing. Allele origin: germline.
Comment: This variant was observed in the ICSL laboratory as part of a predisposition screen in an ostensibly healthy population. It had not been previously curated by ICSL or reported in the Human Gene Mutation Database (HGMD: prior to June 1st, 2018), and was therefore a candidate for classification through an automated scoring system. Utilizing variant allele frequency, disease prevalence and penetrance estimates, and inheritance mode, an automated score was calculated to assess if this variant is too frequent to cause the disease. Based on the score and internal cut-off values, a variant classified as benign is not then subjected to further curation. The score for this variant resulted in a classification of benign for this disease.

Genetic Services Laboratory, University of Chicago
Classification: Benign. Last evaluated: 2016-09-13. Review status: criteria provided, single submitter. Criteria: ACMG Guidelines, 2015. Collection method: clinical testing. Allele origin: germline. Affected: no.

GeneDx
Classification: Benign. Last evaluated: 2015-11-19. Review status: criteria provided, single submitter. Criteria: GeneDx Variant Classification (06012015). Collection method: clinical testing. Allele origin: germline. Affected: yes.
Comment: This variant is considered likely benign or benign based on one or more of the following criteria: it is a conservative change, it occurs at a poorly conserved position in the protein, it is predicted to be benign by multiple in silico algorithms, and/or has population frequency not consistent with disease.

Eurofins Ntd Llc (ga)
Classification: Benign. Last evaluated: 2015-01-27. Review status: criteria provided, single submitter. Criteria: EGL Classification Definitions 2015. Collection method: clinical testing. Allele origin: germline. Observed: 2 variant alleles, 2 heterozygotes.

Breakthrough Genomics
Classification: Benign. Review status: criteria provided, single submitter. Criteria: ACMG Guidelines, 2015. Collection method: not provided. Allele origin: germline. Inheritance: Autosomal recessive inheritance. Affected: yes.

PreventionGenetics, part of Exact Sciences
Classification: Benign. Review status: criteria provided, single submitter. Criteria: ACMG Guidelines, 2015. Collection method: clinical testing. Allele origin: germline.

Bioinformatics Core, Luxembourg Center for Systems Biomedicine
Classification: Pathogenic for Self-limited epilepsy with centrotemporal spikes. Last evaluated: 2017-01-01. Review status: no assertion criteria provided. Collection method: case-control. Allele origin: germline. Affected: yes. Study: EUROEPINOMICS COGIE. Not counted in ClinVar's aggregate classification.

Department of Pathology and Laboratory Medicine, Sinai Health System
Classification: Benign. Review status: no assertion criteria provided. Collection method: clinical testing. Allele origin: unknown. Affected: yes. Study: The Canadian Open Genetics Repository (COGR). Not counted in ClinVar's aggregate classification.
Comment: The RELN p.Val1762Ile variant was not identified in the literature but was identified in dbSNP (ID: rs79499902), LOVD 3.0 and ClinVar (classified as benign by Prevention Genetics, Genetic Services Laboratory, University of Chicago, GeneDx, EGL Genetic Diagnostics, and Invitae, as likely benign by Athena Diagnostics Inc and Illumina and as pathogenic by Bioinformatics Core, Luxembourg Center for Systems Biomedicine). The variant was identified in control databases in 1463 of 282336 chromosomes (13 homozygous) at a frequency of 0.005182 increasing the likelihood this could be a low frequency benign variant (Genome Aggregation Database March 6, 2019, v2.1.1). The variant was observed in the following populations: African in 687 of 24876 chromosomes (freq: 0.02762), Ashkenazi Jewish in 116 of 10364 chromosomes (freq: 0.01119), Latino in 138 of 35352 chromosomes (freq: 0.003904), Other in 27 of 7208 chromosomes (freq: 0.003746), European (non-Finnish) in 413 of 128966 chromosomes (freq: 0.003202), South Asian in 78 of 30612 chromosomes (freq: 0.002548), European (Finnish) in 3 of 25064 chromosomes (freq: 0.00012), and East Asian in 1 of 19894 chromosomes (freq: 0.00005). The p.Val1762 residue is conserved in mammals and computational analyses (PolyPhen-2, SIFT, AlignGVGD, BLOSUM, MutationTaster) provide inconsistent predictions regarding the impact to the protein; this information is not very predictive of pathogenicity. The variant occurs outside of the splicing consensus sequence and in silico or computational prediction software programs (SpliceSiteFinder, MaxEntScan, NNSPLICE, GeneSplicer) do not predict a difference in splicing. In summary, based on the above information this variant meets our laboratory's criteria to be classified as benign.

Literature cited by the submitters: PubMed 27884173 (cited by Athena Diagnostics); PubMed 20697953 (cited by Athena Diagnostics); PubMed 29358611 (cited by Athena Diagnostics and Bioinformatics Core, Luxembourg Center for Systems Biomedicine); PubMed 14593429 (cited by Athena Diagnostics); PubMed 14515139 (cited by Athena Diagnostics); PubMed 24828792 (cited by Athena Diagnostics); PubMed 25620207 (cited by Athena Diagnostics).

NM_005045.4(RELN):c.5284G>A (p.Val1762Ile)

Gene: RELN (reelin; minus strand). Cytogenetic location: 7q22.1.
Variant type: single nucleotide variant.
Coding change: c.5284G>A on transcript NM_005045.4 (MANE Select); coding-DNA position 5284, G replaced by A.
Protein change: p.Val1762Ile; replaces valine 1762 with isoleucine.
Molecular consequence: missense variant.
Genome position (GRCh38, 1-based): chr7:103,561,880, C>T on the plus strand (G>A on the coding strand, the complement: RELN is on the minus strand). VCF-style: chr7-103561880-C-T. GRCh37 (hg19) VCF-style: chr7-103202327-C-T.
Other names: c.5284G>A, p.Val1762Ile (NM_173054.3); short protein forms V1762I.
Identifiers: ClinVar variation 130127 (VCV000130127.52), dbSNP rs79499902, ClinGen allele CA154921.